The following is an entry in ClinVar:

NM_004260.4(RECQL4):c.866C>A (p.Ala289Asp)

Gene: RECQL4 (RecQ like helicase 4; minus strand). Cytogenetic location: 8q24.3.
Variant type: single nucleotide variant.
Coding change: c.866C>A on transcript NM_004260.4 (MANE Select); coding-DNA position 866, C replaced by A.
Protein change: p.Ala289Asp; replaces alanine 289 with aspartic acid.
Molecular consequence: missense variant. On other transcripts: 5 prime UTR variant (17), non-coding transcript variant (3).
Genome position (GRCh38, 1-based): chr8:144,516,253, G>T on the plus strand (C>A on the coding strand, the complement: RECQL4 is on the minus strand). VCF-style: chr8-144516253-G-T. GRCh37 (hg19) VCF-style: chr8-145741637-G-T.
Other names: c.866C>A, p.Ala289Asp (NM_001413017.1, NM_001413018.1, NM_001413019.1 and 4 more transcripts); c.-206C>A (NM_001413021.1, NM_001413022.1, NM_001413023.1 and 7 more transcripts); c.737C>A, p.Ala246Asp (NM_001413025.1); c.-268C>A (NM_001413027.1, NM_001413030.1, NM_001413031.1 and 2 more transcripts); c.515C>A, p.Ala172Asp (NM_001413029.1); c.-110C>A (NM_001413034.1); c.-475C>A (NM_001413043.1); short protein forms A246D, A172D, A289D.
Identifiers: ClinVar variation 3944351 (VCV003944351.1).

ClinVar aggregate classification (germline): Uncertain significance (1 of 4 stars; one submission).

Conditions:
Inborn genetic diseases. Identifiers: MedGen C0950123, MeSH D030342.

Submission:

Ambry Genetics
Classification: Uncertain significance for Inborn genetic diseases. Last evaluated: 2025-06-06. Review status: criteria provided, single submitter. Criteria: Ambry Variant Classification Scheme 2023. Collection method: clinical testing. Allele origin: germline.
Comment: The p.A289D variant (also known as c.866C>A), located in coding exon 5 of the RECQL4 gene, results from a C to A substitution at nucleotide position 866. The alanine at codon 289 is replaced by aspartic acid, an amino acid with dissimilar properties. This amino acid position is conserved. In addition, this alteration is predicted to be tolerated by in silico analysis. Based on the available evidence, the clinical significance of this variant remains unclear.